The following is an entry in ClinVar:

NM_022124.6(CDH23):c.6376del (p.Arg2126fs)

Gene: CDH23 (cadherin related 23; plus strand). Cytogenetic location: 10q22.1.
Variant type: Deletion.
Coding change: c.6376del on transcript NM_022124.6 (MANE Select); coding-DNA position 6376, one base deleted (C; older notation c.6376delC).
Protein change: p.Arg2126fs; shifts the reading frame from arginine 2126.
Molecular consequence: frameshift variant.
Genome position (GRCh38, 1-based): chr10:71,793,304, C deleted; the last of 2 consecutive C bases (chr10:71,793,303-71,793,304); deleting either gives the same sequence. VCF-style (leftmost placement, unchanged base first): chr10-71793302-TC-T. GRCh37 (hg19) VCF-style: chr10-73553059-TC-T.
Other names: short protein forms R2126fs.
Identifiers: ClinVar variation 1454305 (VCV001454305.6), dbSNP rs2132953500, ClinGen allele CA2573145263.

ClinVar aggregate classification (germline): Pathogenic (1 of 4 stars; one submission).

Submission:

Labcorp Genetics (formerly Invitae), Labcorp
Classification: Pathogenic. Last evaluated: 2023-08-10. Review status: criteria provided, single submitter. Criteria: Invitae Variant Classification Sherloc (09022015). Collection method: clinical testing. Allele origin: germline.
Comment: For these reasons, this variant has been classified as Pathogenic. ClinVar contains an entry for this variant (Variation ID: 1454305). This variant has not been reported in the literature in individuals affected with CDH23-related conditions. This variant is not present in population databases (gnomAD no frequency). This sequence change creates a premature translational stop signal (p.Arg2126Valfs*17) in the CDH23 gene. It is expected to result in an absent or disrupted protein product. Loss-of-function variants in CDH23 are known to be pathogenic (PMID: 11138009, 21940737).

Literature cited by the submitters: PubMed 11138009; PubMed 21940737.